The following is an entry in ClinVar:

ClinVar aggregate classification (germline): Uncertain significance (1 of 4 stars; one submission).

Conditions:
Meckel-Gruber syndrome. Also called: DYSENCEPHALIA SPLANCHNOCYSTICA; GRUBER SYNDROME; Dysencephalia splachnocystica. Identifiers: Orphanet 564, MedGen C0265215, MONDO:0018921.
Nephronophthisis. Also called: Juvenile Nephronophthisis. Identifiers: Orphanet 655, MedGen C0687120, MONDO:0019005, HP:0000090.
Joubert syndrome. Also called: CEREBELLOPARENCHYMAL DISORDER IV; JOUBERT-BOLTSHAUSER SYNDROME; Familial aplasia of the vermis. Identifiers: Orphanet 475, MedGen C5979921, MONDO:0018772.

gnomAD v4.1: 1 of 1,555,286 alleles (0.000064%); no homozygotes.

Submission:

Labcorp Genetics (formerly Invitae), Labcorp
Classification: Uncertain significance for Joubert syndrome; Meckel-Gruber syndrome; Nephronophthisis. Last evaluated: 2022-03-09. Review status: criteria provided, single submitter. Criteria: Invitae Variant Classification Sherloc (09022015). Collection method: clinical testing. Allele origin: germline.
Comment: This sequence change replaces isoleucine, which is neutral and non-polar, with leucine, which is neutral and non-polar, at codon 2362 of the CEP290 protein (p.Ile2362Leu). This variant is not present in population databases (gnomAD no frequency). This variant has not been reported in the literature in individuals affected with CEP290-related conditions. ClinVar contains an entry for this variant (Variation ID: 843587). Algorithms developed to predict the effect of missense changes on protein structure and function output the following: SIFT: "Tolerated"; PolyPhen-2: "Benign"; Align-GVGD: "Class C0". The leucine amino acid residue is found in multiple mammalian species, which suggests that this missense change does not adversely affect protein function. In summary, the available evidence is currently insufficient to determine the role of this variant in disease. Therefore, it has been classified as a Variant of Uncertain Significance.

NM_025114.4(CEP290):c.7084A>T (p.Ile2362Leu)

Gene: CEP290 (centrosomal protein 290; minus strand). Cytogenetic location: 12q21.32.
Variant type: single nucleotide variant.
Coding change: c.7084A>T on transcript NM_025114.4 (MANE Select); coding-DNA position 7084, A replaced by T.
Protein change: p.Ile2362Leu; replaces isoleucine 2362 with leucine.
Molecular consequence: missense variant.
Genome position (GRCh38, 1-based): chr12:88,053,697, T>A on the plus strand (A>T on the coding strand, the complement: CEP290 is on the minus strand). VCF-style: chr12-88053697-T-A. GRCh37 (hg19) VCF-style: chr12-88447474-T-A.
Other names: short protein forms I2362L.
Identifiers: ClinVar variation 843587 (VCV000843587.6), dbSNP rs1364454411, ClinGen allele CA385974994.